The following is an entry in ClinVar:

NM_000128.4(F11):c.1443del (p.Ile481fs)

Gene: F11 (coagulation factor XI; plus strand). Cytogenetic location: 4q35.2.
Variant type: Deletion.
Coding change: c.1443del on transcript NM_000128.4 (MANE Select); coding-DNA position 1443, one base deleted (T; older notation c.1443delT).
Protein change: p.Ile481fs; shifts the reading frame from isoleucine 481.
Molecular consequence: frameshift variant.
Genome position (GRCh38, 1-based): chr4:186,285,776, T deleted; the last of 2 consecutive T bases (chr4:186,285,775-186,285,776); deleting either gives the same sequence. VCF-style (leftmost placement, unchanged base first): chr4-186285774-AT-A. GRCh37 (hg19) VCF-style: chr4-187206928-AT-A.
Other names: p.Ile481Metfs*4; c.1443delT (NM_000128.3); short protein forms I481fs.
Identifiers: ClinVar variation 1444159 (VCV001444159.8), dbSNP rs778810767, ClinGen allele CA3163980.
Genomic context (GRCh38, chr4:186,285,774, plus strand): 5'-TTTGGGGTTCAAGAAATAATAATCCATGATCAGTATAAAATGGCAGAAAGCGGGTATGAT[AT>A]TGCCTTGTTGAAACTGGAAACCACAGTGAATTACACAGGTACGGAGAATTTTATCCGGAA-3'

ClinVar aggregate classification (germline): Pathogenic. Review status: criteria provided, multiple submitters, no conflicts (2 of 4 stars). 3 submissions from 3 submitters: Pathogenic (3). Last evaluated 2025-08-25.

Conditions:
Plasma factor XI deficiency.

Submissions (3):

Natera, Inc.
Classification: Pathogenic for Plasma factor XI deficiency. Last evaluated: 2025-08-25. Review status: criteria provided, single submitter. Criteria: Natera Variant Classification Schema (03/2026). Collection method: clinical testing. Allele origin: germline.
Comment: The c.1443delT variant in F11 is a frameshift variant predicted to shift the reading frame beginning at codon 481 and leads to a stop codon 4 codons downstream. This variant is expected to result in nonsense mediated decay, truncation, or a dysfunctional protein product. This variant is rare in the general population with a frequency below the threshold expected for the associated phenotype(s). This variant has been observed in one or more individuals affected with the associated recessive disease, as either homozygous or compound heterozygous with a second variant (PMID: 33298665). Given the available evidence, this variant is classified as Pathogenic.

Mayo Clinic Laboratories, Mayo Clinic
Classification: Pathogenic. Last evaluated: 2024-07-24. Review status: criteria provided, single submitter. Criteria: ACMG Guidelines, 2015. Collection method: clinical testing. Allele origin: germline. Observed: 1 variant allele.
Comment: PM2, PM3_supporting, PVS1

Labcorp Genetics (formerly Invitae), Labcorp
Classification: Pathogenic. Last evaluated: 2023-12-02. Review status: criteria provided, single submitter. Criteria: Invitae Variant Classification Sherloc (09022015). Collection method: clinical testing. Allele origin: germline.
Comment: This sequence change creates a premature translational stop signal (p.Ile481Metfs*4) in the F11 gene. It is expected to result in an absent or disrupted protein product. Loss-of-function variants in F11 are known to be pathogenic (PMID: 23929304). This variant is present in population databases (rs778810767, gnomAD 0.0009%). This variant has not been reported in the literature in individuals affected with F11-related conditions. ClinVar contains an entry for this variant (Variation ID: 1444159). Algorithms developed to predict the effect of sequence changes on RNA splicing suggest that this variant may disrupt the consensus splice site. For these reasons, this variant has been classified as Pathogenic.

Literature cited by the submitters: PubMed 33298665 (cited by Natera, Inc. and Mayo Clinic Laboratories, Mayo Clinic); PubMed 33477601 (cited by Mayo Clinic Laboratories, Mayo Clinic); PubMed 23929304 (cited by Labcorp Genetics (formerly Invitae), Labcorp).